The following is an entry in ClinVar:

ClinVar aggregate classification (germline): Uncertain significance (1 of 4 stars; one submission).

Submission:

Ambry Genetics
Classification: Uncertain significance. Last evaluated: 2025-05-24. Review status: criteria provided, single submitter. Criteria: Ambry Variant Classification Scheme 2023. Collection method: clinical testing. Allele origin: germline.
Comment: The p.A87G variant (also known as c.260C>G), located in coding exon 1 of the MYOM1 gene, results from a C to G substitution at nucleotide position 260. The alanine at codon 87 is replaced by glycine, an amino acid with similar properties. This amino acid position is conserved. In addition, this alteration is predicted to be tolerated by in silico analysis. Based on the available evidence, the clinical significance of this variant remains unclear.

NM_003803.4(MYOM1):c.260C>G (p.Ala87Gly)

Gene: MYOM1 (myomesin 1; minus strand). Cytogenetic location: 18p11.31.
Variant type: single nucleotide variant.
Coding change: c.260C>G on transcript NM_003803.4 (MANE Select); coding-DNA position 260, C replaced by G.
Protein change: p.Ala87Gly; replaces alanine 87 with glycine.
Molecular consequence: missense variant.
Genome position (GRCh38, 1-based): chr18:3,214,964, G>C on the plus strand (C>G on the coding strand, the complement: MYOM1 is on the minus strand). VCF-style: chr18-3214964-G-C. GRCh37 (hg19) VCF-style: chr18-3214962-G-C.
Other names: c.260C>G, p.Ala87Gly (NM_019856.2); short protein forms A87G.
Identifiers: ClinVar variation 3916559 (VCV003916559.1).